The following is an entry in ClinVar:

NM_004655.4(AXIN2):c.1425G>T (p.Ser475=)

Gene: AXIN2 (axin 2; minus strand). Cytogenetic location: 17q24.1.
Variant type: single nucleotide variant.
Coding change: c.1425G>T on transcript NM_004655.4 (MANE Select); coding-DNA position 1425, G replaced by T.
Protein change: p.Ser475=; no amino-acid change (serine 475 retained).
Molecular consequence: synonymous variant.
Genome position (GRCh38, 1-based): chr17:65,537,611, C>A on the plus strand (G>T on the coding strand, the complement: AXIN2 is on the minus strand). VCF-style: chr17-65537611-C-A. GRCh37 (hg19) VCF-style: chr17-63533729-C-A.
Other names: c.1425G>T, p.Ser475= (NM_001363813.1); c.1425G>T (LRG_296t1).
Identifiers: ClinVar variation 533273 (VCV000533273.13), dbSNP rs1321803175, ClinGen allele CA501691685.

ClinVar aggregate classification (germline): Benign/Likely benign. Review status: criteria provided, multiple submitters, no conflicts (2 of 4 stars). 4 submissions from 4 submitters: Benign (1); Likely benign (3). Last evaluated 2026-01-04.

Conditions:
Oligodontia-cancer predisposition syndrome. Also called: TOOTH AGENESIS-COLORECTAL CANCER SYNDROME. Identifiers: Orphanet 300576, MedGen C1837750, MONDO:0012075, OMIM 608615. Disease mechanism: loss of function.
Hereditary cancer-predisposing syndrome. Also called: Hereditary neoplastic syndrome; Neoplastic Syndromes, Hereditary; Tumor predisposition; Hereditary Cancer Syndrome. Identifiers: Orphanet 140162, MedGen C0027672, MeSH D009386, MONDO:0015356.

Allele frequency attached by ClinVar (database versions not stated): gnomAD below 0.00001 and 0.00001; gnomAD exomes 0.00001.
gnomAD v4.1: 11 of 1,599,772 alleles (0.00069%); highest among the groups gnomAD compares: South Asian, 0.0033%; 1 homozygote.

Submissions (4):

Labcorp Genetics (formerly Invitae), Labcorp
Classification: Likely benign for Oligodontia-cancer predisposition syndrome. Last evaluated: 2026-01-04. Review status: criteria provided, single submitter. Criteria: Invitae Variant Classification Sherloc (09022015). Collection method: clinical testing. Allele origin: germline.

Center for Genomic Medicine, Rigshospitalet, Copenhagen University Hospital
Classification: Likely benign. Last evaluated: 2025-12-29. Review status: criteria provided, single submitter. Criteria: ACMG Guidelines, 2015. Collection method: clinical testing. Allele origin: germline.

Myriad Genetics, Inc.
Classification: Benign for Oligodontia-cancer predisposition syndrome. Last evaluated: 2024-07-03. Review status: criteria provided, single submitter. Criteria: Myriad Autosomal Dominant, Autosomal Recessive and X-Linked Classification Criteria (2023). Collection method: clinical testing. Allele origin: unknown.
Comment: This variant is considered benign. This variant is a silent/synonymous amino acid change and it is not expected to impact splicing.

Ambry Genetics
Classification: Likely benign for Hereditary cancer-predisposing syndrome. Last evaluated: 2020-06-18. Review status: criteria provided, single submitter. Criteria: Ambry Variant Classification Scheme 2023. Collection method: clinical testing. Allele origin: germline.